The following is an entry in ClinVar:

NM_145331.3(MAP3K7):c.73G>A (p.Val25Ile)

Gene: MAP3K7 (mitogen-activated protein kinase kinase kinase 7; minus strand). Cytogenetic location: 6q15.
Variant type: single nucleotide variant.
Coding change: c.73G>A on transcript NM_145331.3 (MANE Select); coding-DNA position 73, G replaced by A.
Protein change: p.Val25Ile; replaces valine 25 with isoleucine.
Molecular consequence: missense variant.
Genome position (GRCh38, 1-based): chr6:90,586,811, C>T on the plus strand (G>A on the coding strand, the complement: MAP3K7 is on the minus strand). VCF-style: chr6-90586811-C-T. GRCh37 (hg19) VCF-style: chr6-91296530-C-T.
Other names: c.73G>A, p.Val25Ile (NM_003188.4, NM_145332.3, NM_145333.3); short protein forms V25I.
Identifiers: ClinVar variation 4718022 (VCV004718022.1).

ClinVar aggregate classification (germline): Uncertain significance (1 of 4 stars; one submission).

Submission:

Labcorp Genetics (formerly Invitae), Labcorp
Classification: Uncertain significance. Last evaluated: 2025-04-26. Review status: criteria provided, single submitter. Criteria: Invitae Variant Classification Sherloc (09022015). Collection method: clinical testing. Allele origin: germline.
Comment: This sequence change replaces valine, which is neutral and non-polar, with isoleucine, which is neutral and non-polar, at codon 25 of the MAP3K7 protein (p.Val25Ile). This variant is not present in population databases (gnomAD no frequency). This variant has not been reported in the literature in individuals affected with MAP3K7-related conditions. An algorithm developed to predict the effect of missense changes on protein structure and function (PolyPhen-2) suggests that this variant is likely to be tolerated. In summary, the available evidence is currently insufficient to determine the role of this variant in disease. Therefore, it has been classified as a Variant of Uncertain Significance.